The following is an entry in ClinVar:

ClinVar aggregate classification (germline): Uncertain significance (1 of 4 stars; one submission).

Allele frequency attached by ClinVar (database versions not stated): gnomAD exomes below 0.00001; TOPMed below 0.00001; gnomAD 0.00001.
gnomAD v4.1: 2 of 1,609,030 alleles (0.00012%); highest among the groups gnomAD compares: Non-Finnish European, 0.00017%; no homozygotes.

Submission:

Labcorp Genetics (formerly Invitae), Labcorp
Classification: Uncertain significance. Last evaluated: 2021-08-31. Review status: criteria provided, single submitter. Criteria: Invitae Variant Classification Sherloc (09022015). Collection method: clinical testing. Allele origin: germline.
Comment: This sequence change replaces tyrosine with phenylalanine at codon 2359 of the ADGRV1 protein (p.Tyr2359Phe). The tyrosine residue is highly conserved and there is a small physicochemical difference between tyrosine and phenylalanine. This variant is not present in population databases (ExAC no frequency). This variant has not been reported in the literature in individuals affected with ADGRV1-related conditions. Algorithms developed to predict the effect of missense changes on protein structure and function output the following: SIFT: "Tolerated"; PolyPhen-2: "Possibly Damaging"; Align-GVGD: "Class C0". The phenylalanine amino acid residue is found in multiple mammalian species, which suggests that this missense change does not adversely affect protein function. In summary, the available evidence is currently insufficient to determine the role of this variant in disease. Therefore, it has been classified as a Variant of Uncertain Significance.

NM_032119.4(ADGRV1):c.7076A>T (p.Tyr2359Phe)

Gene: ADGRV1 (adhesion G protein-coupled receptor V1; plus strand). Cytogenetic location: 5q14.3.
Variant type: single nucleotide variant.
Coding change: c.7076A>T on transcript NM_032119.4 (MANE Select); coding-DNA position 7076, A replaced by T.
Protein change: p.Tyr2359Phe; replaces tyrosine 2359 with phenylalanine.
Molecular consequence: missense variant. On other transcripts: non-coding transcript variant (1).
Genome position (GRCh38, 1-based): chr5:90,692,729, A>T. VCF-style: chr5-90692729-A-T. GRCh37 (hg19) VCF-style: chr5-89988546-A-T.
Other names: short protein forms Y2359F.
Identifiers: ClinVar variation 1491523 (VCV001491523.5), dbSNP rs1644038193, ClinGen allele CA360371637.
Genomic context (GRCh38, chr5:90,692,729, plus strand): 5'-ATATTATTATTCCTGCCAATGATGATCCTTATGGTACAGTAGCCTTTGCTCAGATGGTTT[A>T]TCGTGTTCAAGAGCCTCTGGAAAGAAGTTCCTGTGCTAATATAACTGTCAGGCGAAGGTA-3'
Protein context (NP_115495.3, residues 2349-2369): YGTVAFAQMV[Tyr2359Phe]RVQEPLERSS